The following is an entry in ClinVar:

ClinVar aggregate classification (germline): Uncertain significance. Review status: criteria provided, multiple submitters, no conflicts (2 of 4 stars). 2 submissions from 2 submitters: Uncertain significance (2). Last evaluated 2024-05-01.

Conditions:
Familial cancer of breast. Also called: Hereditary breast cancer; hereditary breast carcinoma; BREAST CANCER, FAMILIAL. Identifiers: Orphanet 227535, MedGen C0346153, MONDO:0016419, OMIM 114480. Disease mechanism: loss of function.
Hereditary breast ovarian cancer syndrome. Also called: BRCA1- and BRCA2-Associated Hereditary Breast and Ovarian Cancer; Hereditary breast and ovarian cancer syndrome; Hereditary breast and ovarian cancer syndrome (HBOC); Hereditary breast and/or ovarian cancer syndrome; Breast and ovarian cancer; Hereditary breast and ovarian cancer. Identifiers: Orphanet 145, MedGen C0677776, MeSH D061325, MONDO:0003582. Disease mechanism: loss of function.

Submissions (2):

Labcorp Genetics (formerly Invitae), Labcorp
Classification: Uncertain significance for Hereditary breast ovarian cancer syndrome. Last evaluated: 2024-05-01. Review status: criteria provided, single submitter. Criteria: Invitae Variant Classification Sherloc (09022015). Collection method: clinical testing. Allele origin: germline.
Comment: This sequence change replaces lysine, which is basic and polar, with glutamic acid, which is acidic and polar, at codon 3004 of the BRCA2 protein (p.Lys3004Glu). This variant is not present in population databases (gnomAD no frequency). This variant has not been reported in the literature in individuals affected with BRCA2-related conditions. ClinVar contains an entry for this variant (Variation ID: 657784). Advanced modeling of protein sequence and biophysical properties (such as structural, functional, and spatial information, amino acid conservation, physicochemical variation, residue mobility, and thermodynamic stability) performed at Invitae indicates that this missense variant is not expected to disrupt BRCA2 protein function with a negative predictive value of 95%. In summary, the available evidence is currently insufficient to determine the role of this variant in disease. Therefore, it has been classified as a Variant of Uncertain Significance.

Baylor Genetics
Classification: Uncertain significance for Familial cancer of breast. Last evaluated: 2023-08-03. Review status: criteria provided, single submitter. Criteria: ACMG Guidelines, 2015. Collection method: clinical testing. Allele origin: unknown.

NM_000059.4(BRCA2):c.9010A>G (p.Lys3004Glu)

Gene: BRCA2 (BRCA2 DNA repair associated; plus strand). Cytogenetic location: 13q13.1.
Variant type: single nucleotide variant.
Coding change: c.9010A>G on transcript NM_000059.4 (MANE Select); coding-DNA position 9010, A replaced by G.
Protein change: p.Lys3004Glu; replaces lysine 3004 with glutamic acid.
Molecular consequence: missense variant.
Genome position (GRCh38, 1-based): chr13:32,379,806, A>G. VCF-style: chr13-32379806-A-G. GRCh37 (hg19) VCF-style: chr13-32953943-A-G.
Other names: short protein forms K3004E.
Identifiers: ClinVar variation 657784 (VCV000657784.10), dbSNP rs954148397, ClinGen allele CA247493892.